The following is an entry in ClinVar:

NM_181882.3(PRX):c.3919C>T (p.Arg1307Trp)

Gene: PRX (periaxin; minus strand). Cytogenetic location: 19q13.2.
Variant type: single nucleotide variant.
Coding change: c.3919C>T on transcript NM_181882.3 (MANE Select); coding-DNA position 3919, C replaced by T.
Protein change: p.Arg1307Trp; replaces arginine 1307 with tryptophan.
Molecular consequence: missense variant. On other transcripts: 3 prime UTR variant (1).
Genome position (GRCh38, 1-based): chr19:40,394,433, G>A on the plus strand (C>T on the coding strand, the complement: PRX is on the minus strand). VCF-style: chr19-40394433-G-A. GRCh37 (hg19) VCF-style: chr19-40900340-G-A.
Other names: c.*4124C>T (NM_020956.2); short protein forms R1307W.
Identifiers: ClinVar variation 582607 (VCV000582607.8), dbSNP rs752593001, ClinGen allele CA9443745.

ClinVar aggregate classification (germline): Uncertain significance. Review status: criteria provided, multiple submitters, no conflicts (2 of 4 stars). 4 submissions from 4 submitters: Uncertain significance (4). Last evaluated 2025-11-12.

Conditions:
Inborn genetic diseases. Identifiers: MedGen C0950123, MeSH D030342.
Charcot-Marie-Tooth disease type 4. Also called: Charcot-Marie-Tooth disease, type IV; Charcot-Marie-Tooth, Type 4. Identifiers: Orphanet 64749, MedGen C4082197, MONDO:0018995.
PRX-related disorder. Also called: PRX-Related Disorders; PRX-related condition.
Charcot-Marie-Tooth disease type 4F. Also called: Charcot-Marie-Tooth disease, demyelinating, type 4F. Identifiers: Orphanet 99952, MedGen C3540453, MONDO:0013959, OMIM 614895.

Allele frequency attached by ClinVar (database versions not stated): gnomAD exomes 0.00001; gnomAD 0.00002; TOPMed 0.00002; ExAC 0.00003.

Submissions (4):

PreventionGenetics, part of Exact Sciences
Classification: Uncertain significance for PRX-related condition. Last evaluated: 2025-11-12. Review status: criteria provided, single submitter. Criteria: ACMG Guidelines, 2015. Collection method: clinical testing. Allele origin: germline.
Comment: The PRX c.3919C>T variant is predicted to result in the amino acid substitution p.Arg1307Trp. To our knowledge, this variant has not been reported in the literature. This variant is reported in 0.012% of alleles in individuals of East Asian descent in gnomAD. At this time, the clinical significance of this variant is uncertain due to the absence of conclusive functional and genetic evidence.

Ambry Genetics
Classification: Uncertain significance for Inborn genetic diseases. Last evaluated: 2024-02-06. Review status: criteria provided, single submitter. Criteria: Ambry Variant Classification Scheme 2023. Collection method: clinical testing. Allele origin: germline.

Labcorp Genetics (formerly Invitae), Labcorp
Classification: Uncertain significance for Charcot-Marie-Tooth disease type 4. Last evaluated: 2021-08-27. Review status: criteria provided, single submitter. Criteria: Invitae Variant Classification Sherloc (09022015). Collection method: clinical testing. Allele origin: germline.
Comment: This sequence change replaces arginine with tryptophan at codon 1307 of the PRX protein (p.Arg1307Trp). The arginine residue is moderately conserved and there is a moderate physicochemical difference between arginine and tryptophan. This variant is present in population databases (rs752593001, ExAC 0.02%). This variant has not been reported in the literature in individuals affected with PRX-related conditions. Algorithms developed to predict the effect of missense changes on protein structure and function (SIFT, PolyPhen-2, Align-GVGD) all suggest that this variant is likely to be disruptive. In summary, the available evidence is currently insufficient to determine the role of this variant in disease. Therefore, it has been classified as a Variant of Uncertain Significance.

Baylor Genetics
Classification: Uncertain significance for Charcot-Marie-Tooth disease type 4F. Last evaluated: 2018-01-16. Review status: criteria provided, single submitter. Criteria: ACMG Guidelines, 2015. Collection method: clinical testing. Allele origin: paternal. Affected: yes.
Comment: This variant was determined to be of uncertain significance according to ACMG Guidelines, 2015 [PMID:25741868].